The following is an entry in ClinVar:

ClinVar aggregate classification (germline): Uncertain significance (1 of 4 stars; one submission).

Conditions:
Hereditary breast ovarian cancer syndrome. Also called: Hereditary breast and ovarian cancer syndrome; Hereditary breast and ovarian cancer syndrome (HBOC); BRCA1- and BRCA2-Associated Hereditary Breast and Ovarian Cancer; Hereditary breast and ovarian cancer; Breast and ovarian cancer; Hereditary breast and/or ovarian cancer syndrome. Identifiers: Orphanet 145, MedGen C0677776, MeSH D061325, MONDO:0003582. Disease mechanism: loss of function.

Submission:

Labcorp Genetics (formerly Invitae), Labcorp
Classification: Uncertain significance for Hereditary breast ovarian cancer syndrome. Last evaluated: 2025-04-28. Review status: criteria provided, single submitter. Criteria: Invitae Variant Classification Sherloc (09022015). Collection method: clinical testing. Allele origin: germline.
Comment: This sequence change replaces glutamic acid, which is acidic and polar, with aspartic acid, which is acidic and polar, at codon 438 of the BRCA1 protein (p.Glu438Asp). This variant is not present in population databases (gnomAD no frequency). This variant has not been reported in the literature in individuals affected with BRCA1-related conditions. ClinVar contains an entry for this variant (Variation ID: 3634695). Invitae Evidence Modeling of protein sequence and biophysical properties (such as structural, functional, and spatial information, amino acid conservation, physicochemical variation, residue mobility, and thermodynamic stability) indicates that this missense variant is not expected to disrupt BRCA1 protein function with a negative predictive value of 80%. In summary, the available evidence is currently insufficient to determine the role of this variant in disease. Therefore, it has been classified as a Variant of Uncertain Significance.

NM_007294.4(BRCA1):c.1314G>C (p.Glu438Asp)

Gene: BRCA1 (BRCA1 DNA repair associated; minus strand). Cytogenetic location: 17q21.31.
Variant type: single nucleotide variant.
Coding change: c.1314G>C on transcript NM_007294.4 (MANE Select); coding-DNA position 1314, G replaced by C.
Protein change: p.Glu438Asp; replaces glutamic acid 438 with aspartic acid.
Molecular consequence: missense variant. On other transcripts: intron variant (137).
Genome position (GRCh38, 1-based): chr17:43,094,217, C>G on the plus strand (G>C on the coding strand, the complement: BRCA1 is on the minus strand). VCF-style: chr17-43094217-C-G. GRCh37 (hg19) VCF-style: chr17-41246234-C-G.
Other names: c.1101G>C, p.Glu367Asp (NM_001407853.1, NM_001407571.1, NM_001407894.1 and 9 more transcripts); c.1314G>C, p.Glu438Asp (NM_001407854.1, NM_001407858.1, NM_001407859.1 and 30 more transcripts); c.1311G>C, p.Glu437Asp (NM_001407860.1, NM_001407861.1, NM_001407587.1 and 22 more transcripts); c.1113G>C, p.Glu371Asp (NM_001407862.1); c.1191G>C, p.Glu397Asp (NM_001407863.1, NM_001407648.1, NM_001407664.1 and 19 more transcripts); c.1110G>C, p.Glu370Asp (NM_001407874.1, NM_001407875.1); c.1104G>C, p.Glu368Asp (NM_001407886.1, NM_001407879.1, NM_001407887.1 and 13 more transcripts); c.646+527G>C (NM_001408458.1, NM_001408469.1, NM_001408453.1 and 11 more transcripts); and 40 more; short protein forms E311D, E349D, E435D, E327D, E367D, E370D, E371D, E437D.
Identifiers: ClinVar variation 3634695 (VCV003634695.2).